The following is an entry in ClinVar:

ClinVar aggregate classification (germline): Uncertain significance. Review status: criteria provided, multiple submitters, no conflicts (2 of 4 stars). 2 submissions from 2 submitters: Uncertain significance (2). Last evaluated 2025-07-31.

Conditions:
Oligodontia-cancer predisposition syndrome. Also called: TOOTH AGENESIS-COLORECTAL CANCER SYNDROME. Identifiers: Orphanet 300576, MedGen C1837750, MONDO:0012075, OMIM 608615. Disease mechanism: loss of function.
Hereditary cancer-predisposing syndrome. Also called: Hereditary Cancer Syndrome; Hereditary neoplastic syndrome; Tumor predisposition; Neoplastic Syndromes, Hereditary. Identifiers: Orphanet 140162, MedGen C0027672, MeSH D009386, MONDO:0015356.

Allele frequency attached by ClinVar (database versions not stated): gnomAD exomes below 0.00001.

Submissions (2):

Labcorp Genetics (formerly Invitae), Labcorp
Classification: Uncertain significance for Oligodontia-cancer predisposition syndrome. Last evaluated: 2025-07-31. Review status: criteria provided, single submitter. Criteria: Invitae Variant Classification Sherloc (09022015). Collection method: clinical testing. Allele origin: germline.
Comment: This sequence change replaces glycine, which is neutral and non-polar, with serine, which is neutral and polar, at codon 495 of the AXIN2 protein (p.Gly495Ser). This variant is not present in population databases (gnomAD no frequency). This variant has not been reported in the literature in individuals affected with AXIN2-related conditions. ClinVar contains an entry for this variant (Variation ID: 842795). An algorithm developed to predict the effect of missense changes on protein structure and function (PolyPhen-2) suggests that this variant is likely to be tolerated. In summary, the available evidence is currently insufficient to determine the role of this variant in disease. Therefore, it has been classified as a Variant of Uncertain Significance.

Ambry Genetics
Classification: Uncertain significance for Hereditary cancer-predisposing syndrome. Last evaluated: 2020-03-27. Review status: criteria provided, single submitter. Criteria: Ambry Variant Classification Scheme 2023. Collection method: clinical testing. Allele origin: germline.
Comment: The p.G495S variant (also known as c.1483G>A), located in coding exon 5 of the AXIN2 gene, results from a G to A substitution at nucleotide position 1483. The glycine at codon 495 is replaced by serine, an amino acid with similar properties. This amino acid position is poorly conserved in available vertebrate species. In addition, this alteration is predicted to be tolerated by in silico analysis. Since supporting evidence is limited at this time, the clinical significance of this alteration remains unclear.

NM_004655.4(AXIN2):c.1483G>A (p.Gly495Ser)

Gene: AXIN2 (axin 2; minus strand). Cytogenetic location: 17q24.1.
Variant type: single nucleotide variant.
Coding change: c.1483G>A on transcript NM_004655.4 (MANE Select); coding-DNA position 1483, G replaced by A.
Protein change: p.Gly495Ser; replaces glycine 495 with serine.
Molecular consequence: missense variant.
Genome position (GRCh38, 1-based): chr17:65,537,553, C>T on the plus strand (G>A on the coding strand, the complement: AXIN2 is on the minus strand). VCF-style: chr17-65537553-C-T. GRCh37 (hg19) VCF-style: chr17-63533671-C-T.
Other names: c.1483G>A, p.Gly495Ser (NM_001363813.1); short protein forms G495S.
Identifiers: ClinVar variation 842795 (VCV000842795.12), dbSNP rs372513593, ClinGen allele CA293098260.